The following is an entry in ClinVar:

NM_032444.4(SLX4):c.2828C>A (p.Ala943Asp)

Gene: SLX4 (SLX4 structure-specific endonuclease subunit; minus strand). Cytogenetic location: 16p13.3.
Variant type: single nucleotide variant.
Coding change: c.2828C>A on transcript NM_032444.4 (MANE Select); coding-DNA position 2828, C replaced by A.
Protein change: p.Ala943Asp; replaces alanine 943 with aspartic acid.
Molecular consequence: missense variant.
Genome position (GRCh38, 1-based): chr16:3,590,810, G>T on the plus strand (C>A on the coding strand, the complement: SLX4 is on the minus strand). VCF-style: chr16-3590810-G-T. GRCh37 (hg19) VCF-style: chr16-3640811-G-T.
Other names: short protein forms A943D.
Identifiers: ClinVar variation 1006891 (VCV001006891.8), dbSNP rs745380963, ClinGen allele CA7866060.

ClinVar aggregate classification (germline): Uncertain significance. Review status: criteria provided, multiple submitters, no conflicts (2 of 4 stars). 3 submissions from 3 submitters: Uncertain significance (3). Last evaluated 2024-06-12.

Conditions:
Fanconi anemia complementation group P. Also called: SLX4-Related Fanconi Anemia. Identifiers: Orphanet 84, MedGen C3469542, MONDO:0013499, OMIM 613951.
Fanconi anemia (FA). Also called: Fanconi's anemia. Identifiers: Orphanet 84, MedGen C0015625, MeSH D005199, MONDO:0019391.

Allele frequency attached by ClinVar (database versions not stated): gnomAD exomes below 0.00001; ExAC 0.00001; gnomAD 0.00001; TOPMed 0.00001.
gnomAD v4.1: 23 of 1,613,930 alleles (0.0014%); highest among the groups gnomAD compares: Non-Finnish European, 0.0019%; no homozygotes.

Submissions (3):

Fulgent Genetics
Classification: Uncertain significance for Fanconi anemia complementation group P. Last evaluated: 2024-06-12. Review status: criteria provided, single submitter. Criteria: ACMG Guidelines, 2015. Collection method: clinical testing. Allele origin: germline.

Blueprint Genetics
Classification: Uncertain significance. Last evaluated: 2021-09-06. Review status: criteria provided, single submitter. Criteria: ACMG Guidelines, 2015. Collection method: clinical testing. Allele origin: germline.

Labcorp Genetics (formerly Invitae), Labcorp
Classification: Uncertain significance for Fanconi anemia. Last evaluated: 2021-09-01. Review status: criteria provided, single submitter. Criteria: Invitae Variant Classification Sherloc (09022015). Collection method: clinical testing. Allele origin: germline.
Comment: This sequence change replaces alanine with aspartic acid at codon 943 of the SLX4 protein (p.Ala943Asp). The alanine residue is weakly conserved and there is a moderate physicochemical difference between alanine and aspartic acid. This variant is present in population databases (rs745380963, ExAC 0.002%). This variant has not been reported in the literature in individuals affected with SLX4-related conditions. Algorithms developed to predict the effect of missense changes on protein structure and function are either unavailable or do not agree on the potential impact of this missense change (SIFT: "Deleterious"; PolyPhen-2: "Benign"; Align-GVGD: "Class C0"). In summary, the available evidence is currently insufficient to determine the role of this variant in disease. Therefore, it has been classified as a Variant of Uncertain Significance.